The following is an entry in ClinVar:

NM_001110556.2(FLNA):c.7589C>T (p.Thr2530Ile)

Genes: FLNA (filamin A; minus strand), LOC107988032 (Xq28 proximal FLNA-EMD recombination region; plus strand). Cytogenetic location: Xq28.
Variant type: single nucleotide variant.
Coding change: c.7589C>T on transcript NM_001110556.2 (MANE Select); coding-DNA position 7589, C replaced by T.
Protein change: p.Thr2530Ile; replaces threonine 2530 with isoleucine.
Molecular consequence: missense variant.
Genome position (GRCh38, 1-based): chrX:154,349,529, G>A on the plus strand (C>T on the coding strand, the complement: FLNA is on the minus strand). VCF-style: chrX-154349529-G-A. GRCh37 (hg19) VCF-style: chrX-153577897-G-A.
Other names: c.7565C>T, p.Thr2522Ile (NM_001456.4); short protein forms T2522I, T2530I.
Identifiers: ClinVar variation 3749655 (VCV003749655.2).

ClinVar aggregate classification (germline): Uncertain significance (1 of 4 stars; one submission).

Conditions:
Melnick-Needles syndrome (MNS). Also called: MELNICK-NEEDLES OSTEODYSPLASTY; OSTEODYSPLASTY OF MELNICK AND NEEDLES; Melnick-Needles Syndrome (FLNA-MNS). Identifiers: Orphanet 2484, MedGen C0025237, MONDO:0010650, OMIM 309350.
Frontometaphyseal dysplasia (FMD1). Identifiers: Orphanet 1826, MedGen C0265293, MONDO:0015942.
Heterotopia, periventricular, X-linked dominant (PVNH1). Also called: PERIVENTRICULAR NODULAR HETEROTOPIA 1; X-linked periventricular heterotopia; PERIVENTRICULAR NODULAR HETEROTOPIA 4; HETEROTOPIA, PERIVENTRICULAR, 1. Identifiers: Orphanet 2149, Orphanet 82004, MedGen C1848213, MONDO:0010233, OMIM 300049.
Oto-palato-digital syndrome, type II (OPD2). Also called: FACIOPALATOOSSEOUS SYNDROME; OPD II SYNDROME; Otopalatodigital Syndrome, Type II; Otopalatodigital Syndrome Type 2 (FLNA-OPD2). Identifiers: Orphanet 669, Orphanet 90652, MedGen C1844696, MONDO:0010571, OMIM 304120.

Submission:

Labcorp Genetics (formerly Invitae), Labcorp
Classification: Uncertain significance for Oto-palato-digital syndrome, type II; Heterotopia, periventricular, X-linked dominant; Frontometaphyseal dysplasia; Melnick-Needles syndrome. Last evaluated: 2024-08-22. Review status: criteria provided, single submitter. Criteria: Invitae Variant Classification Sherloc (09022015). Collection method: clinical testing. Allele origin: germline.
Comment: This sequence change replaces threonine, which is neutral and polar, with isoleucine, which is neutral and non-polar, at codon 2522 of the FLNA protein (p.Thr2522Ile). This variant is not present in population databases (gnomAD no frequency). This variant has not been reported in the literature in individuals affected with FLNA-related conditions. Invitae Evidence Modeling of protein sequence and biophysical properties (such as structural, functional, and spatial information, amino acid conservation, physicochemical variation, residue mobility, and thermodynamic stability) indicates that this missense variant is not expected to disrupt FLNA protein function with a negative predictive value of 95%. In summary, the available evidence is currently insufficient to determine the role of this variant in disease. Therefore, it has been classified as a Variant of Uncertain Significance.